The following is an entry in ClinVar:

ClinVar aggregate classification (germline): Benign/Likely benign. Review status: criteria provided, multiple submitters, no conflicts (2 of 4 stars). 4 submissions from 4 submitters: Benign (1); Likely benign (3). Last evaluated 2026-05-13.

Conditions:
Neurofibromatosis, type 1 (NF1). Also called: Peripheral type neurofibromatosis; Neurofibromatosis, type I; VON RECKLINGHAUSEN DISEASE; NEUROFIBROMATOSIS, TYPE I, SOMATIC. Identifiers: Orphanet 636, MedGen C0027831, MONDO:0018975, OMIM 162200. Disease mechanism: loss of function.

Submissions (4):

Myriad Genetics, Inc.
Classification: Likely benign for Neurofibromatosis, type 1. Last evaluated: 2026-05-13. Review status: criteria provided, single submitter. Criteria: Myriad Autosomal Dominant, Autosomal Recessive and X-Linked Classification Criteria (2023). Collection method: clinical testing. Allele origin: unknown.
Comment: This variant is considered likely benign. This variant is intronic and is not expected to impact mRNA splicing.

Labcorp Genetics (formerly Invitae), Labcorp
Classification: Likely benign for Neurofibromatosis, type 1. Last evaluated: 2026-01-15. Review status: criteria provided, single submitter. Criteria: Invitae Variant Classification Sherloc (09022015). Collection method: clinical testing. Allele origin: germline.

Genome-Nilou Lab
Classification: Benign for Neurofibromatosis, type 1. Last evaluated: 2022-03-15. Review status: criteria provided, single submitter. Criteria: ACMG Guidelines, 2015. Collection method: clinical testing. Allele origin: germline. Affected: no.

GeneDx
Classification: Likely benign. Last evaluated: 2017-03-30. Review status: criteria provided, single submitter. Criteria: GeneDx Variant Classification (06012015). Collection method: clinical testing. Allele origin: germline. Affected: yes.
Comment: This variant is considered likely benign or benign based on one or more of the following criteria: it is a conservative change, it occurs at a poorly conserved position in the protein, it is predicted to be benign by multiple in silico algorithms, and/or has population frequency not consistent with disease.

NM_001042492.3(NF1):c.7189+8dup

Gene: NF1 (neurofibromin 1; plus strand). Cytogenetic location: 17q11.2.
Variant type: Duplication.
Coding change: c.7189+8dup on transcript NM_001042492.3 (MANE Select); 8 bases into the intron after coding-DNA position 7189, one base duplicated (A; older notation c.7189+8dupA).
Molecular consequence: intron variant.
Genome position (GRCh38, 1-based): chr17:31,343,143, A duplicated; the last of 6 consecutive A bases (chr17:31,343,138-31,343,143); duplicating any one gives the same sequence. VCF-style (leftmost placement, unchanged base first): chr17-31343137-T-TA. GRCh37 (hg19) VCF-style: chr17-29670155-T-TA.
Other names: c.7126+8dupA (NM_000267.3); c.7126+8dup (NM_000267.4).
Identifiers: ClinVar variation 457825 (VCV000457825.10), dbSNP rs753952604, ClinGen allele CA8487507.